The following is an entry in ClinVar:

ClinVar aggregate classification (germline): Uncertain significance (1 of 4 stars; one submission).

Conditions:
Spermatogenic Failure. Identifiers: MedGen C3553794, MONDO:0004983.

Submission:

Conrad Lab, Oregon Health and Science University
Classification: Uncertain significance for Spermatogenic Failure. Last evaluated: 2026-09-29. Review status: criteria provided, single submitter. Criteria: ACMG Guidelines, 2015. Collection method: research. Allele origin: germline. Affected: yes. Observed: 1 variant allele. Study: GEMINI.
Comment: No junction-spanning reads or refined breakpoint coordinates were available. The manuscript found no enrichment of duplications at this locus in cases relative to gnomAD; dosage-related evidence for spermatogenic failure remains insufficient. The classification is Uncertain significance. Coordinates are minimum bounds.

Single allele

Genes: MIR4767 (microRNA 4767; plus strand), PNPLA4 (patatin like domain 4, phospholipase and triacylglycerol lipase; minus strand), PUDP (pseudouridine 5'-phosphatase; minus strand), STS (steroid sulfatase; plus strand), VCX (variable charge X-linked; plus strand) and 17 more. Cytogenetic location: Xp22.31.
Variant type: Duplication.
Identifiers: ClinVar variation 5021142 (VCV005021142.1).